The following is an entry in ClinVar:

ClinVar aggregate classification (germline): Uncertain significance (1 of 4 stars; one submission).

Submission:

Labcorp Genetics (formerly Invitae), Labcorp
Classification: Uncertain significance. Last evaluated: 2022-09-02. Review status: criteria provided, single submitter. Criteria: Invitae Variant Classification Sherloc (09022015). Collection method: clinical testing. Allele origin: germline.
Comment: In summary, the available evidence is currently insufficient to determine the role of this variant in disease. Therefore, it has been classified as a Variant of Uncertain Significance. Advanced modeling of protein sequence and biophysical properties (such as structural, functional, and spatial information, amino acid conservation, physicochemical variation, residue mobility, and thermodynamic stability) performed at Invitae indicates that this missense variant is expected to disrupt KCNH1 protein function. This variant has not been reported in the literature in individuals affected with KCNH1-related conditions. This variant is not present in population databases (gnomAD no frequency). This sequence change replaces phenylalanine, which is neutral and non-polar, with leucine, which is neutral and non-polar, at codon 130 of the KCNH1 protein (p.Phe130Leu).

NM_172362.3(KCNH1):c.390C>G (p.Phe130Leu)

Gene: KCNH1 (potassium voltage-gated channel subfamily H member 1; minus strand). Cytogenetic location: 1q32.2.
Variant type: single nucleotide variant.
Coding change: c.390C>G on transcript NM_172362.3 (MANE Select); coding-DNA position 390, C replaced by G.
Protein change: p.Phe130Leu; replaces phenylalanine 130 with leucine.
Molecular consequence: missense variant.
Genome position (GRCh38, 1-based): chr1:211,090,611, G>C on the plus strand (C>G on the coding strand, the complement: KCNH1 is on the minus strand). VCF-style: chr1-211090611-G-C. GRCh37 (hg19) VCF-style: chr1-211263953-G-C.
Other names: c.390C>G, p.Phe130Leu (NM_002238.4); short protein forms F130L.
Identifiers: ClinVar variation 2012352 (VCV002012352.4), dbSNP rs753995362, ClinGen allele CA344875312.